The following is an entry in ClinVar:

ClinVar aggregate classification (germline): Uncertain significance (1 of 4 stars; one submission).

Conditions:
Developmental and epileptic encephalopathy, 53. Also called: Epileptic encephalopathy, early infantile, 53. Identifiers: MedGen C4479313, MONDO:0033362, OMIM 617389.
Early-onset Parkinson disease 20. Also called: PARKINSON DISEASE 20, AUTOSOMAL RECESSIVE EARLY-ONSET. Identifiers: Orphanet 391411, MedGen C3809824, MONDO:0014233, OMIM 615530.

Submission:

Labcorp Genetics (formerly Invitae), Labcorp
Classification: Uncertain significance for Developmental and epileptic encephalopathy, 53; Early-onset Parkinson disease 20. Last evaluated: 2022-07-11. Review status: criteria provided, single submitter. Criteria: Invitae Variant Classification Sherloc (09022015). Collection method: clinical testing. Allele origin: germline.
Comment: In summary, the available evidence is currently insufficient to determine the role of this variant in disease. Therefore, it has been classified as a Variant of Uncertain Significance. Experimental studies and prediction algorithms are not available or were not evaluated, and the functional significance of this variant is currently unknown. This variant has not been reported in the literature in individuals affected with SYNJ1-related conditions. This variant is present in population databases (no rsID available, gnomAD 0.007%). This variant, c.54_65del, results in the deletion of 4 amino acid(s) of the SYNJ1 protein (p.Gly19_Gly22del), but otherwise preserves the integrity of the reading frame.

NM_203446.3(SYNJ1):c.-64_-53del

Gene: SYNJ1 (synaptojanin 1; minus strand). Cytogenetic location: 21q22.11.
Variant type: Deletion.
Coding change: c.-64_-53del on transcript NM_203446.3 (MANE Select); 64 bases upstream of the start codon through 53 bases upstream of the start codon, 12 bases deleted (CGGCGGCTGCGG).
Molecular consequence: 5 prime UTR variant. On other transcripts: inframe indel (1).
Genome position (GRCh38, 1-based): chr21:32,727,976-32,727,987, CCGCAGCCGCCG deleted on the plus strand (CGGCGGCTGCGG on the coding strand, the reverse complement: SYNJ1 is on the minus strand); deleting any 12 consecutive bases within chr21:32,727,976-32,727,989 gives the same sequence; the c. name uses the placement nearest the transcript's 3' end. VCF-style (leftmost placement, unchanged base first): chr21-32727975-CCCGCAGCCGCCG-C. GRCh37 (hg19) VCF-style: chr21-34100286-CCCGCAGCCGCCG-C.
Other names: c.52_63delGGCGGCGGCTGC, p.Gly19_Gly22del (NM_003895.4).
Identifiers: ClinVar variation 2199292 (VCV002199292.4), dbSNP rs1427487040, ClinGen allele CA638052508.
Genomic context (GRCh38, chr21:32,727,975, plus strand): 5'-GCAGCTCCCCGCCCCCCGCCGGCTTGCTCACCTCTTCCTCCGGCTCCTCCTCCTCCTTCT[CCCGCAGCCGCCG>C]CCACAGCCGCCGGGAGCGTCACTTCCGCTCCAGCAGGCCCATCTCTTCCGCATTGCGCCG-3'